The following is an entry in ClinVar:

NM_015352.2(POFUT1):c.188G>A (p.Arg63His)

Gene: POFUT1 (protein O-fucosyltransferase 1; plus strand). Cytogenetic location: 20q11.21.
Variant type: single nucleotide variant.
Coding change: c.188G>A on transcript NM_015352.2 (MANE Select); coding-DNA position 188, G replaced by A.
Protein change: p.Arg63His; replaces arginine 63 with histidine.
Molecular consequence: missense variant.
Genome position (GRCh38, 1-based): chr20:32,210,134, G>A. VCF-style: chr20-32210134-G-A. GRCh37 (hg19) VCF-style: chr20-30797937-G-A.
Other names: c.188G>A, p.Arg63His (NM_172236.2); c.188G>A (NM_015352.1); short protein forms R63H.
Identifiers: ClinVar variation 2716879 (VCV002716879.4), dbSNP rs148829108, ClinGen allele CA9807127.
Genomic context (GRCh38, chr20:32,210,134, plus strand): 5'-GCTTTGGGAACCAGGCCGATCACTTCTTGGGCTCTCTGGCATTTGCAAAGCTGCTAAACC[G>A]TACCTTGGCTGTCCCTCCTTGGATTGAGTACCAGCATCACAAGCCTCCTTTCACCAACGT-3'
Protein context (NP_056167.1, residues 53-73): GSLAFAKLLN[Arg63His]TLAVPPWIEY

ClinVar aggregate classification (germline): Uncertain significance. Review status: criteria provided, multiple submitters, no conflicts (2 of 4 stars). 2 submissions from 2 submitters: Uncertain significance (2). Last evaluated 2025-07-02.

Conditions:
Dowling-Degos disease 2 (DDD2). Identifiers: Orphanet 79145, MedGen C3809147, MONDO:0014130, OMIM 615327.
Inborn genetic diseases. Identifiers: MedGen C0950123, MeSH D030342.

Allele frequency attached by ClinVar (database versions not stated): TOPMed 0.00001; ExAC 0.00002; ESP Exome Variant Server 0.00008.
gnomAD v4.1: 26 of 1,613,986 alleles (0.0016%); highest among the groups gnomAD compares: Admixed American, 0.0083%; no homozygotes.

Submissions (2):

Ambry Genetics
Classification: Uncertain significance for Inborn genetic diseases. Last evaluated: 2025-07-02. Review status: criteria provided, single submitter. Criteria: Ambry Variant Classification Scheme 2023. Collection method: clinical testing. Allele origin: germline.

Labcorp Genetics (formerly Invitae), Labcorp
Classification: Uncertain significance for Dowling-Degos disease 2. Last evaluated: 2023-02-22. Review status: criteria provided, single submitter. Criteria: Invitae Variant Classification Sherloc (09022015). Collection method: clinical testing. Allele origin: germline.
Comment: In summary, the available evidence is currently insufficient to determine the role of this variant in disease. Therefore, it has been classified as a Variant of Uncertain Significance. An algorithm developed to predict the effect of missense changes on protein structure and function (PolyPhen-2) suggests that this variant is likely to be disruptive. This variant has not been reported in the literature in individuals affected with POFUT1-related conditions. This variant is present in population databases (rs148829108, gnomAD 0.006%). This sequence change replaces arginine, which is basic and polar, with histidine, which is basic and polar, at codon 63 of the POFUT1 protein (p.Arg63His).